The following is an entry in ClinVar:

NM_001143981.2(CHRDL1):c.229C>T (p.Arg77Ter)

Gene: CHRDL1 (chordin like 1; minus strand). Cytogenetic location: Xq23.
Variant type: single nucleotide variant.
Coding change: c.229C>T on transcript NM_001143981.2 (MANE Select); coding-DNA position 229, C replaced by T.
Protein change: p.Arg77Ter; replaces arginine 77 with a stop codon.
Molecular consequence: nonsense. On other transcripts: non-coding transcript variant (1).
Genome position (GRCh38, 1-based): chrX:110,759,733, G>A on the plus strand (C>T on the coding strand, the complement: CHRDL1 is on the minus strand). VCF-style: chrX-110759733-G-A. GRCh37 (hg19) VCF-style: chrX-110002961-G-A.
Other names: c.229C>T, p.Arg77Ter (NM_001143982.2, NM_001143983.3, NM_001367204.1 and 6 more transcripts); short protein forms R77*.
Identifiers: ClinVar variation 1077007 (VCV001077007.5), dbSNP rs775515705, ClinGen allele CA414224233.
Genomic context (GRCh38, chrX:110,759,733, plus strand): 5'-GGCAGCACAGATGAGGAATATGCACAGGAGAAAGGCAATGAACATTTGGACATCTGACTC[G>A]GCTGCAAAGCACATTCCCATTCTGAAAAAGAGAAGGCAATGAGAAAAAATAAATGTCTTT-3'

ClinVar aggregate classification (germline): Pathogenic. Review status: criteria provided, multiple submitters, no conflicts (2 of 4 stars). 2 submissions from 2 submitters: Pathogenic (2).

Conditions:
Isolated congenital megalocornea (MGC1). Identifiers: Orphanet 91489, MedGen C4518341, MONDO:0010649, OMIM 309300.
Megalocornea. Also called: MGCN. Identifiers: MedGen C5574682, MONDO:0009576, OMIM 249300, HP:0000485.

Allele frequency attached by ClinVar (database versions not stated): gnomAD 0.00001.
gnomAD v4.1: 2 of 1,197,165 alleles (0.00017%); highest among the groups gnomAD compares: South Asian, 0.0018%; no homozygotes.

Submissions (2):

Juno Genomics, Hangzhou Juno Genomics, Inc
Classification: Pathogenic for Isolated congenital megalocornea. Review status: criteria provided, single submitter. Criteria: ACMG Guidelines, 2015. Collection method: clinical testing. Allele origin: germline.
Comment: Absent from controls (or at extremely low frequency if recessive) in Genome Aggregation Database.;Null variant in a gene where loss of function (LOF) is a known mechanism of disease.;Patient's phenotype or family history is highly specific for a disease with a single genetic etiology.

Research Unit for Rare Diseases, 1st Faculty of Medicine, Charles University in Prague
Classification: Pathogenic for Megalocornea. Review status: criteria provided, single submitter. Criteria: ACMG Guidelines, 2015. Collection method: clinical testing. Allele origin: maternal. Inheritance: X-linked inheritance. Affected: yes. Observed: 1 variant allele, 1 hemizygote.
Comment: Previously reported variant in Davidson et at 2014

Literature cited by the submitters: PubMed 25093588 (cited by Research Unit for Rare Diseases, 1st Faculty of Medicine, Charles University in Prague).